The following is an entry in ClinVar:

NM_001166114.2(PNPLA6):c.3492G>C (p.Leu1164=)

Gene: PNPLA6 (patatin like domain 6, lysophospholipase; plus strand). Cytogenetic location: 19p13.2.
Variant type: single nucleotide variant.
Coding change: c.3492G>C on transcript NM_001166114.2 (MANE Select); coding-DNA position 3492, G replaced by C.
Protein change: p.Leu1164=; no amino-acid change (leucine 1164 retained).
Molecular consequence: synonymous variant.
Genome position (GRCh38, 1-based): chr19:7,558,944, G>C. VCF-style: chr19-7558944-G-C. GRCh37 (hg19) VCF-style: chr19-7623830-G-C.
Other names: c.3522G>C, p.Leu1174= (NM_001166111.2); c.3297G>C, p.Leu1099= (NM_001166112.2); c.3378G>C, p.Leu1126= (NM_001166113.1, NM_006702.5).
Identifiers: ClinVar variation 330535 (VCV000330535.39), dbSNP rs577065342, ClinGen allele CA9140499.
Genomic context (GRCh38, chr19:7,558,944, plus strand): 5'-CATCGCCATTGACGTGGGGAGCCAGGATGAGACGGACCTCAGCACCTACGGGGACAGCCT[G>C]TCCGGCTGGTGGCTGCTGTGGAAGCGGCTGAATCCCTGGGCTGACAAGGTAAAGGTTCCA-3'
Protein context (NP_001159586.1, residues 1154-1174): ETDLSTYGDS[Leu1164=]SGWWLLWKRL

ClinVar aggregate classification (germline): Conflicting classifications of pathogenicity. Review status: criteria provided, conflicting classifications (1 of 4 stars). 4 submissions from 4 submitters: Uncertain significance (1); Benign (1); Likely benign (2). Last evaluated 2026-01-14.

Conditions:
Hereditary spastic paraplegia 39 (SPG39). Also called: Spastic Paraplegia Type 39 (SPG39); SPASTIC PARAPLEGIA 39, AUTOSOMAL RECESSIVE. Identifiers: Orphanet 139480, MedGen C2677586, MONDO:0012787, OMIM 612020.

Allele frequency attached by ClinVar (database versions not stated): gnomAD below 0.00001 and 0.00007; TOPMed 0.00004; gnomAD exomes 0.00020 and 0.00043; ExAC 0.00050; 1000 Genomes Project 0.00060; 1000 Genomes Project 30x 0.00062.

Submissions (4):

Labcorp Genetics (formerly Invitae), Labcorp
Classification: Benign for Hereditary spastic paraplegia 39. Last evaluated: 2026-01-14. Review status: criteria provided, single submitter. Criteria: Invitae Variant Classification Sherloc (09022015). Collection method: clinical testing. Allele origin: germline.

Blueprint Genetics
Classification: Likely benign. Last evaluated: 2023-07-11. Review status: criteria provided, single submitter. Criteria: ACMG Guidelines, 2015. Collection method: clinical testing. Allele origin: germline.

CeGaT Center for Human Genetics Tuebingen
Classification: Likely benign. Last evaluated: 2023-01-01. Review status: criteria provided, single submitter. Criteria: CeGaT Center For Human Genetics Tuebingen Variant Classification Criteria Version 2. Collection method: clinical testing. Allele origin: germline. Affected: yes. Observed: 1 variant allele.
Comment: PNPLA6: BP4, BP7

Illumina Laboratory Services, Illumina
Classification: Uncertain significance for Hereditary spastic paraplegia 39. Last evaluated: 2018-01-13. Review status: criteria provided, single submitter. Criteria: ICSL Variant Classification Criteria 13 December 2019. Collection method: clinical testing. Allele origin: germline.